The following is an entry in ClinVar:

NM_003001.5(SDHC):c.149G>A (p.Arg50His)

Gene: SDHC (succinate dehydrogenase complex subunit C; plus strand). Cytogenetic location: 1q23.3.
Variant type: single nucleotide variant.
Coding change: c.149G>A on transcript NM_003001.5 (MANE Select); coding-DNA position 149, G replaced by A.
Protein change: p.Arg50His; replaces arginine 50 with histidine.
Molecular consequence: missense variant. On other transcripts: non-coding transcript variant (1), intron variant (4).
Genome position (GRCh38, 1-based): chr1:161,328,467, G>A. VCF-style: chr1-161328467-G-A. GRCh37 (hg19) VCF-style: chr1-161298257-G-A.
Other names: c.92G>A, p.Arg31His (NM_001407117.1, NM_001407121.1, NM_001407116.1); c.38G>A, p.Arg13His (NM_001407119.1, NM_001407120.1); c.77+4797G>A (NM_001035512.3, NM_001278172.3, NM_001407118.1); c.21-12127G>A (NM_001035513.3); c.149G>A, p.Arg50His (NM_001035511.3, NM_001407115.1); short protein forms R50H, R13H, R31H.
Identifiers: ClinVar variation 641671 (VCV000641671.17), dbSNP rs769177037, ClinGen allele CA045812.

ClinVar aggregate classification (germline): Uncertain significance. Review status: criteria provided, multiple submitters, no conflicts (2 of 4 stars). 4 submissions from 4 submitters: Uncertain significance (4). Last evaluated 2025-06-09.

Conditions:
Gastrointestinal stromal tumor. Also called: Gastrointestinal stromal tumor, somatic; Gastrointestinal stroma tumor. Identifiers: Orphanet 44890, MedGen C0238198, MeSH D046152, MONDO:0011719, OMIM 606764, HP:0100723.
Pheochromocytoma/paraganglioma syndrome 3. Also called: SDHC-Related Hereditary Paraganglioma-Pheochromocytoma Syndrome (Paragangliomas 3); SDHC-Related Hereditary Paraganglioma-Pheochromocytoma Syndrome; Paragangliomas 3; GLOMUS TUMORS, FAMILIAL, 3. Identifiers: Orphanet 29072, MedGen C1854336, MONDO:0011544, OMIM 605373.
Hereditary cancer-predisposing syndrome. Also called: Hereditary Cancer Syndrome; Tumor predisposition; Neoplastic Syndromes, Hereditary; Hereditary neoplastic syndrome. Identifiers: Orphanet 140162, MedGen C0027672, MeSH D009386, MONDO:0015356.
Hereditary pheochromocytoma and paraganglioma. Also called: Hereditary paragangliomas and pheochromocytomas; Hereditary Paraganglioma-Pheochromocytoma Syndromes; Hereditary pheochromocytoma-paraganglioma. Identifiers: Orphanet 29072, MedGen C4274332, MONDO:0017366.

Allele frequency attached by ClinVar (database versions not stated): TOPMed below 0.00001.
gnomAD v4.1: 11 of 1,612,594 alleles (0.00068%); highest among the groups gnomAD compares: South Asian, 0.0011%; no homozygotes.

Submissions (4):

Labcorp Genetics (formerly Invitae), Labcorp
Classification: Uncertain significance for Pheochromocytoma/paraganglioma syndrome 3; Gastrointestinal stromal tumor. Last evaluated: 2025-06-09. Review status: criteria provided, single submitter. Criteria: Invitae Variant Classification Sherloc (09022015). Collection method: clinical testing. Allele origin: germline.
Comment: This sequence change replaces arginine, which is basic and polar, with histidine, which is basic and polar, at codon 50 of the SDHC protein (p.Arg50His). This variant is present in population databases (rs769177037, gnomAD 0.0009%). This variant has not been reported in the literature in individuals affected with SDHC-related conditions. ClinVar contains an entry for this variant (Variation ID: 641671). Invitae Evidence Modeling of protein sequence and biophysical properties (such as structural, functional, and spatial information, amino acid conservation, physicochemical variation, residue mobility, and thermodynamic stability) indicates that this missense variant is expected to disrupt SDHC protein function with a positive predictive value of 95%. This variant disrupts the p.Arg50 amino acid residue in SDHC. Other variant(s) that disrupt this residue have been determined to be pathogenic (PMID: 19351833, 23666964, 24102379, 27279923). This suggests that this residue is clinically significant, and that variants that disrupt this residue are likely to be disease-causing. In summary, the available evidence is currently insufficient to determine the role of this variant in disease. Therefore, it has been classified as a Variant of Uncertain Significance.

GeneDx
Classification: Uncertain significance. Last evaluated: 2025-04-09. Review status: criteria provided, single submitter. Criteria: GeneDx Variant Classification Process June 2021. Collection method: clinical testing. Allele origin: germline. Affected: yes.
Comment: Not observed at significant frequency in large population cohorts (gnomAD); In silico analysis supports that this missense variant has a deleterious effect on protein structure/function; This variant is associated with the following publications: (PMID: 33391357, 30871634)

Ambry Genetics
Classification: Uncertain significance for Hereditary cancer-predisposing syndrome. Last evaluated: 2024-11-07. Review status: criteria provided, single submitter. Criteria: Ambry Variant Classification Scheme 2023. Collection method: clinical testing. Allele origin: germline.
Comment: The p.R50H variant (also known as c.149G>A), located in coding exon 3 of the SDHC gene, results from a G to A substitution at nucleotide position 149. The arginine at codon 50 is replaced by histidine, an amino acid with highly similar properties. This amino acid position is highly conserved in available vertebrate species. In addition, this alteration is predicted to be deleterious by in silico analysis. Based on the available evidence, the clinical significance of this variant remains unclear.

All of Us Research Program, National Institutes of Health
Classification: Uncertain significance for Hereditary pheochromocytoma and paraganglioma. Last evaluated: 2023-11-30. Review status: criteria provided, single submitter. Criteria: ACMG Guidelines, 2015. Collection method: clinical testing. Allele origin: germline. Inheritance: Autosomal dominant inheritance. Observed: 2 variant alleles, 2 heterozygotes.
Comment: This study involves interpretation of variants in research participants for the purpose of population health screening. Participant phenotype was not available at the time of variant classification. Additional details can be found in publication PMID: 35346344, PMCID: PMC8962531

Literature cited by the submitters: PubMed 19351833 (cited by Labcorp Genetics (formerly Invitae), Labcorp); PubMed 23666964 (cited by Labcorp Genetics (formerly Invitae), Labcorp); PubMed 24102379 (cited by Labcorp Genetics (formerly Invitae), Labcorp); PubMed 27279923 (cited by Labcorp Genetics (formerly Invitae), Labcorp).